The following is an entry in ClinVar:

ClinVar aggregate classification (germline): Uncertain significance (1 of 4 stars; one submission).

Conditions:
Bethlem myopathy 1A. Also called: MYOPATHY, BENIGN CONGENITAL, WITH CONTRACTURES; Bethlem myopathy 1; Bethlem Muscular Dystrophy. Identifiers: Orphanet 610, MedGen CN029274, MONDO:0024530, OMIM 158810.

gnomAD v4.1: 29 of 1,612,762 alleles (0.0018%); highest among the groups gnomAD compares: Non-Finnish European, 0.0023%; no homozygotes.

Submission:

Labcorp Genetics (formerly Invitae), Labcorp
Classification: Uncertain significance for Bethlem myopathy 1A. Last evaluated: 2025-07-01. Review status: criteria provided, single submitter. Criteria: Invitae Variant Classification Sherloc (09022015). Collection method: clinical testing. Allele origin: germline.
Comment: This sequence change replaces arginine, which is basic and polar, with serine, which is neutral and polar, at codon 644 of the COL6A2 protein (p.Arg644Ser). This variant is present in population databases (rs776676512, gnomAD 0.007%). This variant has not been reported in the literature in individuals affected with COL6A2-related conditions. Invitae Evidence Modeling of protein sequence and biophysical properties (such as structural, functional, and spatial information, amino acid conservation, physicochemical variation, residue mobility, and thermodynamic stability) has been performed for this missense variant. However, the output from this modeling did not meet the statistical confidence thresholds required to predict the impact of this variant on COL6A2 protein function. In summary, the available evidence is currently insufficient to determine the role of this variant in disease. Therefore, it has been classified as a Variant of Uncertain Significance.

NM_001849.4(COL6A2):c.1932G>C (p.Arg644Ser)

Gene: COL6A2 (collagen type VI alpha 2 chain; plus strand). Cytogenetic location: 21q22.3.
Variant type: single nucleotide variant.
Coding change: c.1932G>C on transcript NM_001849.4 (MANE Select); coding-DNA position 1932, G replaced by C.
Protein change: p.Arg644Ser; replaces arginine 644 with serine.
Molecular consequence: missense variant.
Genome position (GRCh38, 1-based): chr21:46,125,580, G>C. VCF-style: chr21-46125580-G-C. GRCh37 (hg19) VCF-style: chr21-47545494-G-C.
Other names: c.1932G>C, p.Arg644Ser (NM_058174.3, NM_058175.3); short protein forms R644S.
Identifiers: ClinVar variation 4739114 (VCV004739114.1).